The following is an entry in ClinVar:

NM_173628.4(DNAH17):c.3469G>A (p.Gly1157Arg)

Gene: DNAH17 (dynein axonemal heavy chain 17; minus strand). Cytogenetic location: 17q25.3.
Variant type: single nucleotide variant.
Coding change: c.3469G>A on transcript NM_173628.4 (MANE Select); coding-DNA position 3469, G replaced by A.
Protein change: p.Gly1157Arg; replaces glycine 1157 with arginine.
Molecular consequence: missense variant.
Genome position (GRCh38, 1-based): chr17:78,529,510, C>T on the plus strand (G>A on the coding strand, the complement: DNAH17 is on the minus strand). VCF-style: chr17-78529510-C-T. GRCh37 (hg19) VCF-style: chr17-76525592-C-T.
Other names: short protein forms G1157R.
Identifiers: ClinVar variation 1278259 (VCV001278259.4), dbSNP rs61736293, ClinGen allele CA8804203.

ClinVar aggregate classification (germline): Benign. Review status: criteria provided, multiple submitters, no conflicts (2 of 4 stars). 3 submissions from 3 submitters: Benign (2). 1 of the submissions does not count toward it. Last evaluated 2021-05-04.

Conditions:
DNAH17-related disorder. Also called: DNAH17-related condition.

Allele frequency attached by ClinVar (database versions not stated): ExAC 0.02108; 1000 Genomes Project 0.03395; 1000 Genomes Project 30x 0.03623; gnomAD 0.04131 and 0.04318; ESP Exome Variant Server 0.04377; TOPMed 0.04502.
gnomAD v4.1: 38,333 of 1,613,942 alleles (2.4%); highest among the groups gnomAD compares: African/African-American, 10%; 762 homozygotes.

Submissions (3):

GeneDx
Classification: Benign. Last evaluated: 2021-05-04. Review status: criteria provided, single submitter. Criteria: GeneDx Variant Classification Process June 2021. Collection method: clinical testing. Allele origin: germline. Affected: yes.

Breakthrough Genomics
Classification: Benign. Review status: criteria provided, single submitter. Criteria: ACMG Guidelines, 2015. Collection method: not provided. Allele origin: germline. Inheritance: Autosomal recessive inheritance. Affected: yes.

PreventionGenetics, part of Exact Sciences
Classification: Benign for DNAH17-related condition. Last evaluated: 2019-10-28. Review status: no assertion criteria provided. Collection method: clinical testing. Allele origin: germline. Not counted in ClinVar's aggregate classification.
Comment: This variant is classified as benign based on ACMG/AMP sequence variant interpretation guidelines (Richards et al. 2015 PMID: 25741868, with internal and published modifications).